The following is an entry in ClinVar:

NM_017637.6(BNC2):c.2445C>T (p.Gly815=)

Genes: BNC2 (basonuclin zinc finger protein 2; minus strand), LOC126860585 (MED14-independent group 3 enhancer GRCh37_chr9:16435259-16436458; plus strand). Cytogenetic location: 9p22.3.
Variant type: single nucleotide variant.
Coding change: c.2445C>T on transcript NM_017637.6 (MANE Select); coding-DNA position 2445, C replaced by T.
Protein change: p.Gly815=; no amino-acid change (glycine 815 retained).
Molecular consequence: synonymous variant.
Genome position (GRCh38, 1-based): chr9:16,435,749, G>A on the plus strand (C>T on the coding strand, the complement: BNC2 is on the minus strand). VCF-style: chr9-16435749-G-A. GRCh37 (hg19) VCF-style: chr9-16435747-G-A.
Other names: c.2319C>T, p.Gly773= (NM_001317939.2); c.2160C>T, p.Gly720= (NM_001317940.2); c.2445C>T (NM_017637.5).
Identifiers: ClinVar variation 1335725 (VCV001335725.35), dbSNP rs2130847008, ClinGen allele CA464026150.
Genomic context (GRCh38, chr9:16,435,749, plus strand): 5'-ACAGATTTTGGGGTCTGGGCTAGAACATAGGTCACCTTCTGGGGAGAACTTTTGAGGGCT[G>A]CCATAATTCAGAGACGATGTAAAGCTCTCATGCAAGGCGGCCATGCTGGCACCCCCACCA-3'
Protein context (NP_060107.3, residues 805-825): HESFTSSLNY[Gly815=]SPQKFSPEGD

ClinVar aggregate classification (germline): Likely benign. Review status: criteria provided, single submitter (1 of 4 stars). 2 submissions from 2 submitters: Likely benign (1). 1 of the submissions does not count toward it. Last evaluated 2021-11-01.

Conditions:
BNC2-related disorder. Also called: BNC2-related condition.

Submissions (2):

CeGaT Center for Human Genetics Tuebingen
Classification: Likely benign. Last evaluated: 2021-11-01. Review status: criteria provided, single submitter. Criteria: CeGaT Center For Human Genetics Tuebingen Variant Classification Criteria Version 2. Collection method: clinical testing. Allele origin: germline. Affected: yes. Observed: 1 variant allele.

PreventionGenetics, part of Exact Sciences
Classification: Likely benign for BNC2-related condition. Last evaluated: 2019-03-11. Review status: no assertion criteria provided. Collection method: clinical testing. Allele origin: germline. Not counted in ClinVar's aggregate classification.
Comment: This variant is classified as likely benign based on ACMG/AMP sequence variant interpretation guidelines (Richards et al. 2015 PMID: 25741868, with internal and published modifications).